The following is an entry in ClinVar:

ClinVar aggregate classification (germline): Likely benign. Review status: criteria provided, multiple submitters, no conflicts (2 of 4 stars). 2 submissions from 2 submitters: Likely benign (2). Last evaluated 2024-12-20.

Submissions (2):

Mayo Clinic Laboratories, Mayo Clinic
Classification: Likely benign. Last evaluated: 2024-12-20. Review status: criteria provided, single submitter. Criteria: ACMG Guidelines, 2015. Collection method: clinical testing. Allele origin: germline. Observed: 1 variant allele.
Comment: BP4, BP7

Labcorp Genetics (formerly Invitae), Labcorp
Classification: Likely benign. Last evaluated: 2023-07-13. Review status: criteria provided, single submitter. Criteria: Invitae Variant Classification Sherloc (09022015). Collection method: clinical testing. Allele origin: germline.

NM_001365999.1(SZT2):c.3229C>T (p.Leu1077=)

Gene: SZT2 (SZT2 subunit of KICSTOR complex; plus strand). Cytogenetic location: 1p34.2.
Variant type: single nucleotide variant.
Coding change: c.3229C>T on transcript NM_001365999.1 (MANE Select); coding-DNA position 3229, C replaced by T.
Protein change: p.Leu1077=; no amino-acid change (leucine 1077 retained).
Molecular consequence: synonymous variant.
Genome position (GRCh38, 1-based): chr1:43,426,729, C>T. VCF-style: chr1-43426729-C-T. GRCh37 (hg19) VCF-style: chr1-43892400-C-T.
Other names: p.Leu1020=; c.3058C>T, p.Leu1020= (NM_015284.4).
Identifiers: ClinVar variation 1939379 (VCV001939379.6), dbSNP rs571136058, ClinGen allele CA417436030.